The following is an entry in ClinVar:

NM_057175.5(NAA15):c.1154A>G (p.Asp385Gly)

Gene: NAA15 (N-alpha-acetyltransferase 15, NatA auxiliary subunit; plus strand). Cytogenetic location: 4q31.1.
Variant type: single nucleotide variant.
Coding change: c.1154A>G on transcript NM_057175.5 (MANE Select); coding-DNA position 1154, A replaced by G.
Protein change: p.Asp385Gly; replaces aspartic acid 385 with glycine.
Molecular consequence: missense variant.
Genome position (GRCh38, 1-based): chr4:139,357,452, A>G. VCF-style: chr4-139357452-A-G. GRCh37 (hg19) VCF-style: chr4-140278606-A-G.
Other names: c.1154A>G, p.Asp385Gly (NM_001410842.1); short protein forms D385G.
Identifiers: ClinVar variation 3668937 (VCV003668937.2).
Genomic context (GRCh38, chr4:139,357,452, plus strand): 5'-GAAAGGAGGAACCACCAACCACATTACTTTGGGTCCAGTACTACTTGGCACAACATTATG[A>G]CAAAATTGGTCAGCCATCTATTGCTTTGGAGTACATAAATACTGCTATTGAAAGTACACC-3'
Protein context (NP_476516.1, residues 375-395): WVQYYLAQHY[Asp385Gly]KIGQPSIALE

ClinVar aggregate classification (germline): Uncertain significance (1 of 4 stars; one submission).

gnomAD v4.1: 1 of 1,613,822 alleles (0.000062%); highest among the groups gnomAD compares: African/African-American, 0.0013%; no homozygotes.

Submission:

Labcorp Genetics (formerly Invitae), Labcorp
Classification: Uncertain significance. Last evaluated: 2024-06-07. Review status: criteria provided, single submitter. Criteria: Invitae Variant Classification Sherloc (09022015). Collection method: clinical testing. Allele origin: germline.
Comment: This sequence change replaces aspartic acid, which is acidic and polar, with glycine, which is neutral and non-polar, at codon 385 of the NAA15 protein (p.Asp385Gly). This variant is not present in population databases (gnomAD no frequency). This variant has not been reported in the literature in individuals affected with NAA15-related conditions. An algorithm developed to predict the effect of missense changes on protein structure and function (PolyPhen-2) suggests that this variant is likely to be tolerated. In summary, the available evidence is currently insufficient to determine the role of this variant in disease. Therefore, it has been classified as a Variant of Uncertain Significance.